The following is an entry in ClinVar:

NM_006180.6(NTRK2):c.225C>T (p.Asn75=)

Genes: NTRK2 (neurotrophic receptor tyrosine kinase 2; plus strand), LOC130001952 (ATAC-STARR-seq lymphoblastoid active region 28508; plus strand). Cytogenetic location: 9q21.33.
Variant type: single nucleotide variant.
Coding change: c.225C>T on transcript NM_006180.6 (MANE Select); coding-DNA position 225, C replaced by T.
Protein change: p.Asn75=; no amino-acid change (asparagine 75 retained).
Molecular consequence: synonymous variant. On other transcripts: 5 prime UTR variant (4).
Genome position (GRCh38, 1-based): chr9:84,702,171, C>T. VCF-style: chr9-84702171-C-T. GRCh37 (hg19) VCF-style: chr9-87317086-C-T.
Other names: c.225C>T, p.Asn75= (NM_001007097.3, NM_001018064.3, NM_001018065.2 and 18 more transcripts); c.-244C>T (NM_001369535.1, NM_001369536.1, NM_001369550.1 and 1 more transcripts); c.225C>T (NM_006180.4).
Identifiers: ClinVar variation 1577831 (VCV001577831.9), dbSNP rs1356108430, ClinGen allele CA465893903.

ClinVar aggregate classification (germline): Likely benign. Review status: criteria provided, multiple submitters, no conflicts (2 of 4 stars). 2 submissions from 2 submitters: Likely benign (2). Last evaluated 2025-02-03.

Conditions:
NTRK2-related disorder. Also called: NTRK2-related condition.

Allele frequency attached by ClinVar (database versions not stated): gnomAD exomes below 0.00001; gnomAD 0.00001.
gnomAD v4.1: 2 of 1,614,086 alleles (0.00012%); highest among the groups gnomAD compares: Middle Eastern, 0.016%; no homozygotes.

Submissions (2):

PreventionGenetics, part of Exact Sciences
Classification: Likely benign for NTRK2-related condition. Last evaluated: 2025-02-03. Review status: criteria provided, single submitter. Criteria: ACMG Guidelines, 2015. Collection method: clinical testing. Allele origin: germline.
Comment: This variant is classified as likely benign based on ACMG/AMP sequence variant interpretation guidelines (Richards et al. 2015 PMID: 25741868, with internal and published modifications).

Labcorp Genetics (formerly Invitae), Labcorp
Classification: Likely benign. Last evaluated: 2023-12-02. Review status: criteria provided, single submitter. Criteria: Invitae Variant Classification Sherloc (09022015). Collection method: clinical testing. Allele origin: germline.